The following is an entry in ClinVar:

NM_001127222.2(CACNA1A):c.6026C>T (p.Thr2009Ile)

Gene: CACNA1A (calcium voltage-gated channel subunit alpha1 A; minus strand). Cytogenetic location: 19p13.13.
Variant type: single nucleotide variant.
Coding change: c.6026C>T on transcript NM_001127222.2 (MANE Select); coding-DNA position 6026, C replaced by T.
Protein change: p.Thr2009Ile; replaces threonine 2009 with isoleucine.
Molecular consequence: missense variant.
Genome position (GRCh38, 1-based): chr19:13,212,655, G>A on the plus strand (C>T on the coding strand, the complement: CACNA1A is on the minus strand). VCF-style: chr19-13212655-G-A. GRCh37 (hg19) VCF-style: chr19-13323469-G-A.
Other names: c.6044C>T, p.Thr2015Ile (NM_000068.4, NM_023035.3); c.6029C>T, p.Thr2010Ile (NM_001127221.2); c.6035C>T, p.Thr2012Ile (NM_001174080.2); short protein forms T2009I, T2010I, T2012I, T2015I.
Identifiers: ClinVar variation 4076732 (VCV004076732.1).

ClinVar aggregate classification (germline): Uncertain significance (1 of 4 stars; one submission).

Submission:

GeneDx
Classification: Uncertain significance. Last evaluated: 2025-02-16. Review status: criteria provided, single submitter. Criteria: GeneDx Variant Classification Process June 2021. Collection method: clinical testing. Allele origin: germline. Affected: yes.
Comment: Not observed at significant frequency in large population cohorts (gnomAD); In silico analysis supports that this missense variant has a deleterious effect on protein structure/function; Has not been previously published as pathogenic or benign to our knowledge